The following is an entry in ClinVar:

ClinVar aggregate classification (germline): Uncertain significance (1 of 4 stars; one submission).

gnomAD v4.1: 4 of 1,591,782 alleles (0.00025%); highest among the groups gnomAD compares: Non-Finnish European, 0.00034%; no homozygotes.

Submission:

GeneDx
Classification: Uncertain significance. Last evaluated: 2026-03-30. Review status: criteria provided, single submitter. Criteria: GeneDx Variant Classification Process June 2021. Collection method: clinical testing. Allele origin: germline.
Comment: Not observed at significant frequency in large population cohorts (gnomAD); In silico analysis supports that this missense variant has a deleterious effect on protein structure/function; Has not been previously published as pathogenic or benign to our knowledge

NM_017617.5(NOTCH1):c.1240G>T (p.Asp414Tyr)

Gene: NOTCH1 (notch receptor 1; minus strand). Cytogenetic location: 9q34.3.
Variant type: single nucleotide variant.
Coding change: c.1240G>T on transcript NM_017617.5 (MANE Select); coding-DNA position 1240, G replaced by T.
Protein change: p.Asp414Tyr; replaces aspartic acid 414 with tyrosine.
Molecular consequence: missense variant.
Genome position (GRCh38, 1-based): chr9:136,518,152, C>A on the plus strand (G>T on the coding strand, the complement: NOTCH1 is on the minus strand). VCF-style: chr9-136518152-C-A. GRCh37 (hg19) VCF-style: chr9-139412604-C-A.
Other names: short protein forms D414Y.
Identifiers: ClinVar variation 5017873 (VCV005017873.1).